The following is an entry in ClinVar:

NM_002485.5(NBN):c.754A>G (p.Ile252Val)

Gene: NBN (nibrin; minus strand). Cytogenetic location: 8q21.3.
Variant type: single nucleotide variant.
Coding change: c.754A>G on transcript NM_002485.5 (MANE Select); coding-DNA position 754, A replaced by G.
Protein change: p.Ile252Val; replaces isoleucine 252 with valine.
Molecular consequence: missense variant.
Genome position (GRCh38, 1-based): chr8:89,970,506, T>C on the plus strand (A>G on the coding strand, the complement: NBN is on the minus strand). VCF-style: chr8-89970506-T-C. GRCh37 (hg19) VCF-style: chr8-90982734-T-C.
Other names: c.508A>G, p.Ile170Val (NM_001024688.3); short protein forms I252V, I170V.
Identifiers: ClinVar variation 142822 (VCV000142822.16), dbSNP rs587782746, ClinGen allele CA169496.

ClinVar aggregate classification (germline): Uncertain significance. Review status: criteria provided, multiple submitters, no conflicts (2 of 4 stars). 3 submissions from 3 submitters: Uncertain significance (3). Last evaluated 2025-09-15.

Conditions:
Hereditary cancer-predisposing syndrome. Also called: Tumor predisposition; Neoplastic Syndromes, Hereditary; Hereditary neoplastic syndrome; Hereditary Cancer Syndrome. Identifiers: Orphanet 140162, MedGen C0027672, MeSH D009386, MONDO:0015356.
Microcephaly, normal intelligence and immunodeficiency (NBS). Also called: Microcephaly with normal intelligence immunodeficiency and lymphoreticular malignancies; Nonsyndromal microcephaly autosomal recessive with normal intelligence; Seemanova syndrome 2; Immunodeficiency, microcephaly with normal intelligence; Ataxia telangiectasia variant V1; BERLIN BREAKAGE SYNDROME. Identifiers: Orphanet 647, MedGen C0398791, MONDO:0009623, OMIM 251260.

Allele frequency attached by ClinVar (database versions not stated): gnomAD exomes below 0.00001; ExAC 0.00001.
gnomAD v4.1: 3 of 1,613,920 alleles (0.00019%); highest among the groups gnomAD compares: South Asian, 0.0022%; no homozygotes.

Submissions (3):

Labcorp Genetics (formerly Invitae), Labcorp
Classification: Uncertain significance for Microcephaly, normal intelligence and immunodeficiency. Last evaluated: 2025-09-15. Review status: criteria provided, single submitter. Criteria: Invitae Variant Classification Sherloc (09022015). Collection method: clinical testing. Allele origin: germline.
Comment: This sequence change replaces isoleucine, which is neutral and non-polar, with valine, which is neutral and non-polar, at codon 252 of the NBN protein (p.Ile252Val). This variant is present in population databases (rs587782746, gnomAD 0.003%). This variant has not been reported in the literature in individuals affected with NBN-related conditions. ClinVar contains an entry for this variant (Variation ID: 142822). An algorithm developed to predict the effect of missense changes on protein structure and function outputs the following: PolyPhen-2: "Benign". The valine amino acid residue is found in multiple mammalian species, which suggests that this missense change does not adversely affect protein function. In summary, the available evidence is currently insufficient to determine the role of this variant in disease. Therefore, it has been classified as a Variant of Uncertain Significance.

Ambry Genetics
Classification: Uncertain significance for Hereditary cancer-predisposing syndrome. Last evaluated: 2023-09-16. Review status: criteria provided, single submitter. Criteria: Ambry Variant Classification Scheme 2023. Collection method: clinical testing. Allele origin: germline.
Comment: The p.I252V variant (also known as c.754A>G), located in coding exon 7 of the NBN gene, results from an A to G substitution at nucleotide position 754. The isoleucine at codon 252 is replaced by valine, an amino acid with highly similar properties. This amino acid position is not well conserved in available vertebrate species. In addition, this alteration is predicted to be tolerated by in silico analysis. Since supporting evidence is limited at this time, the clinical significance of this alteration remains unclear.

Genome-Nilou Lab
Classification: Uncertain significance for Microcephaly, normal intelligence and immunodeficiency. Last evaluated: 2021-11-07. Review status: criteria provided, single submitter. Criteria: ACMG Guidelines, 2015. Collection method: clinical testing. Allele origin: germline. Affected: no.